The following is an entry in ClinVar:

NM_006734.4(HIVEP2):c.785C>T (p.Ala262Val)

Gene: HIVEP2 (HIVEP zinc finger 2; minus strand). Cytogenetic location: 6q24.2.
Variant type: single nucleotide variant.
Coding change: c.785C>T on transcript NM_006734.4 (MANE Select); coding-DNA position 785, C replaced by T.
Protein change: p.Ala262Val; replaces alanine 262 with valine.
Molecular consequence: missense variant.
Genome position (GRCh38, 1-based): chr6:142,773,954, G>A on the plus strand (C>T on the coding strand, the complement: HIVEP2 is on the minus strand). VCF-style: chr6-142773954-G-A. GRCh37 (hg19) VCF-style: chr6-143095091-G-A.
Other names: short protein forms A262V.
Identifiers: ClinVar variation 3234724 (VCV003234724.20), dbSNP rs941476195, ClinGen allele CA149020059.
Genomic context (GRCh38, chr6:142,773,954, plus strand): 5'-TCTGTGTCTGTACTCTGTTCACCATCTGAATGTATTTCTGCTTCTACATCAATAAAACCA[G>A]CCTCTAGGTCCAATTTAGATACAGCTGACTCTGTGAAAGGTACTAATCCTGCCTTAATTG-3'
Protein context (NP_006725.3, residues 252-272): ESAVSKLDLE[Ala262Val]GFIDVEAEIH

ClinVar aggregate classification (germline): Uncertain significance (1 of 4 stars; one submission).

Allele frequency attached by ClinVar (database versions not stated): gnomAD exomes 0.00002.
gnomAD v4.1: 36 of 1,614,102 alleles (0.0022%); highest among the groups gnomAD compares: Non-Finnish European, 0.0029%; no homozygotes.

Submission:

CeGaT Center for Human Genetics Tuebingen
Classification: Uncertain significance. Last evaluated: 2024-04-01. Review status: criteria provided, single submitter. Criteria: CeGaT Center For Human Genetics Tuebingen Variant Classification Criteria Version 2. Collection method: clinical testing. Allele origin: germline. Affected: yes. Observed: 1 variant allele.
Comment: HIVEP2: PM2